The following is an entry in ClinVar:

NM_014208.3(DSPP):c.114A>T (p.Ala38=)

Genes: DMP1-AS1 (DMP1 and DSPP antisense RNA 1; minus strand), DSPP (dentin sialophosphoprotein; plus strand). Cytogenetic location: 4q22.1.
Variant type: single nucleotide variant.
Coding change: c.114A>T on transcript NM_014208.3 (MANE Select); coding-DNA position 114, A replaced by T.
Protein change: p.Ala38=; no amino-acid change (alanine 38 retained).
Molecular consequence: synonymous variant.
Genome position (GRCh38, 1-based): chr4:87,612,167, A>T. VCF-style: chr4-87612167-A-T. GRCh37 (hg19) VCF-style: chr4-88533319-A-T.
Identifiers: ClinVar variation 4856077 (VCV004856077.1).

ClinVar aggregate classification (germline): Uncertain significance (1 of 4 stars; one submission).

Conditions:
DSPP-related disorder. Also called: DSPP-related condition.

Submission:

3billion
Classification: Uncertain significance for DSPP-related disorder. Last evaluated: 2025-12-22. Review status: criteria provided, single submitter. Criteria: ACMG Guidelines, 2015. Collection method: clinical testing. Allele origin: germline. Affected: yes.
Comment: The variant is not observed in the gnomAD v4.1.0 dataset. Predicted Consequence/Location: Synonymous variant In silico tools predict the variant to alter splicing and produce an abnormal transcript [SpliceAI: 0.38 (>=0.2, moderate evidence for spliceogenicity)]. Therefore, this variant is classified as VUS according to the recommendation of ACMG/AMP guideline.